The following is an entry in ClinVar:

ClinVar aggregate classification (germline): Uncertain significance (1 of 4 stars; one submission).

Allele frequency attached by ClinVar (database versions not stated): gnomAD exomes below 0.00001; ExAC 0.00001.

Submission:

Labcorp Genetics (formerly Invitae), Labcorp
Classification: Uncertain significance. Last evaluated: 2025-11-03. Review status: criteria provided, single submitter. Criteria: Invitae Variant Classification Sherloc (09022015). Collection method: clinical testing. Allele origin: germline.
Comment: This sequence change replaces arginine, which is basic and polar, with histidine, which is basic and polar, at codon 242 of the IRF9 protein (p.Arg242His). This variant is present in population databases (rs780404947, gnomAD 0.01%). This variant has not been reported in the literature in individuals affected with IRF9-related conditions. ClinVar contains an entry for this variant (Variation ID: 2793018). An algorithm developed to predict the effect of missense changes on protein structure and function (PolyPhen-2) suggests that this variant is likely to be disruptive. In summary, the available evidence is currently insufficient to determine the role of this variant in disease. Therefore, it has been classified as a Variant of Uncertain Significance.

NM_006084.5(IRF9):c.725G>A (p.Arg242His)

Gene: IRF9 (interferon regulatory factor 9; plus strand). Cytogenetic location: 14q12.
Variant type: single nucleotide variant.
Coding change: c.725G>A on transcript NM_006084.5 (MANE Select); coding-DNA position 725, G replaced by A.
Protein change: p.Arg242His; replaces arginine 242 with histidine.
Molecular consequence: missense variant. On other transcripts: intron variant (1).
Genome position (GRCh38, 1-based): chr14:24,164,689, G>A. VCF-style: chr14-24164689-G-A. GRCh37 (hg19) VCF-style: chr14-24633898-G-A.
Other names: c.752G>A, p.Arg251His (NM_001385400.1, NM_001385401.1); c.650-188G>A (NM_001385402.1); short protein forms R242H, R251H.
Identifiers: ClinVar variation 2793018 (VCV002793018.3), dbSNP rs780404947, ClinGen allele CA7126552.